The following is an entry in ClinVar:

NM_016042.4(EXOSC3):c.448A>G (p.Thr150Ala)

Gene: EXOSC3 (exosome component 3; minus strand). Cytogenetic location: 9p13.2.
Variant type: single nucleotide variant.
Coding change: c.448A>G on transcript NM_016042.4 (MANE Select); coding-DNA position 448, A replaced by G.
Protein change: p.Thr150Ala; replaces threonine 150 with alanine.
Molecular consequence: missense variant.
Genome position (GRCh38, 1-based): chr9:37,783,940, T>C on the plus strand (A>G on the coding strand, the complement: EXOSC3 is on the minus strand). VCF-style: chr9-37783940-T-C. GRCh37 (hg19) VCF-style: chr9-37783937-T-C.
Other names: c.448A>G (NM_016042.2); c.448A>G, p.Thr150Ala (NM_001002269.2); short protein forms T150A.
Identifiers: ClinVar variation 1002526 (VCV001002526.8), dbSNP rs145464176, ClinGen allele CA5062759.

ClinVar aggregate classification (germline): Uncertain significance. Review status: criteria provided, multiple submitters, no conflicts (2 of 4 stars). 3 submissions from 3 submitters: Uncertain significance (3). Last evaluated 2022-08-03.

Conditions:
Inborn genetic diseases. Identifiers: MedGen C0950123, MeSH D030342.
Pontocerebellar hypoplasia type 1B. Also called: EXOSC3 Pontocerebellar Hypoplasia. Identifiers: Orphanet 2254, MedGen C3553449, MONDO:0013853, OMIM 614678.

Allele frequency attached by ClinVar (database versions not stated): ExAC 0.00011; gnomAD exomes 0.00011; TOPMed 0.00035; gnomAD 0.00044 and 0.00048; ESP Exome Variant Server 0.00069.
gnomAD v4.1: 232 of 1,612,502 alleles (0.014%); highest among the groups gnomAD compares: African/African-American, 0.12%; no homozygotes.

Submissions (3):

Labcorp Genetics (formerly Invitae), Labcorp
Classification: Uncertain significance for Pontocerebellar hypoplasia type 1B. Last evaluated: 2022-08-03. Review status: criteria provided, single submitter. Criteria: Invitae Variant Classification Sherloc (09022015). Collection method: clinical testing. Allele origin: germline.
Comment: This sequence change replaces threonine, which is neutral and polar, with alanine, which is neutral and non-polar, at codon 150 of the EXOSC3 protein (p.Thr150Ala). This variant is present in population databases (rs145464176, gnomAD 0.1%). This variant has not been reported in the literature in individuals affected with EXOSC3-related conditions. ClinVar contains an entry for this variant (Variation ID: 1002526). Algorithms developed to predict the effect of missense changes on protein structure and function are either unavailable or do not agree on the potential impact of this missense change (SIFT: "Deleterious"; PolyPhen-2: "Probably Damaging"; Align-GVGD: "Class C0"). In summary, the available evidence is currently insufficient to determine the role of this variant in disease. Therefore, it has been classified as a Variant of Uncertain Significance.

Ambry Genetics
Classification: Uncertain significance for Inborn genetic diseases. Last evaluated: 2022-03-15. Review status: criteria provided, single submitter. Criteria: Ambry Variant Classification Scheme 2023. Collection method: clinical testing. Allele origin: germline.
Comment: The c.448A>G (p.T150A) alteration is located in exon 2 (coding exon 2) of the EXOSC3 gene. This alteration results from a A to G substitution at nucleotide position 448, causing the threonine (T) at amino acid position 150 to be replaced by an alanine (A). The in silico prediction for the p.T150A alteration is inconclusive. Based on insufficient or conflicting evidence, the clinical significance of this alteration remains unclear.

Baylor Genetics
Classification: Uncertain significance for Pontocerebellar hypoplasia type 1B. Last evaluated: 2018-01-25. Review status: criteria provided, single submitter. Criteria: ACMG Guidelines, 2015. Collection method: clinical testing. Allele origin: paternal. Affected: yes.
Comment: This variant was determined to be of uncertain significance according to ACMG Guidelines, 2015 [PMID:25741868].